The following is an entry in ClinVar:

NM_001100913.3(PACS2):c.1018A>G (p.Ser340Gly)

Gene: PACS2 (phosphofurin acidic cluster sorting protein 2; plus strand). Cytogenetic location: 14q32.33.
Variant type: single nucleotide variant.
Coding change: c.1018A>G on transcript NM_001100913.3 (MANE Select); coding-DNA position 1018, A replaced by G.
Protein change: p.Ser340Gly; replaces serine 340 with glycine.
Molecular consequence: missense variant.
Genome position (GRCh38, 1-based): chr14:105,379,797, A>G. VCF-style: chr14-105379797-A-G. GRCh37 (hg19) VCF-style: chr14-105846134-A-G.
Other names: c.793A>G, p.Ser265Gly (NM_001243127.3); c.1018A>G, p.Ser340Gly (NM_015197.4); short protein forms S340G, S265G.
Identifiers: ClinVar variation 2464019 (VCV002464019.5), dbSNP rs782491490, ClinGen allele CA7388674.

ClinVar aggregate classification (germline): Uncertain significance. Review status: criteria provided, multiple submitters, no conflicts (2 of 4 stars). 2 submissions from 2 submitters: Uncertain significance (2). Last evaluated 2023-09-27.

Conditions:
Inborn genetic diseases. Identifiers: MedGen C0950123, MeSH D030342.

Allele frequency attached by ClinVar (database versions not stated): ExAC 0.00001.

Submissions (2):

Labcorp Genetics (formerly Invitae), Labcorp
Classification: Uncertain significance. Last evaluated: 2023-09-27. Review status: criteria provided, single submitter. Criteria: Invitae Variant Classification Sherloc (09022015). Collection method: clinical testing. Allele origin: germline.
Comment: In summary, the available evidence is currently insufficient to determine the role of this variant in disease. Therefore, it has been classified as a Variant of Uncertain Significance. Advanced modeling of protein sequence and biophysical properties (such as structural, functional, and spatial information, amino acid conservation, physicochemical variation, residue mobility, and thermodynamic stability) performed at Invitae indicates that this missense variant is not expected to disrupt PACS2 protein function. ClinVar contains an entry for this variant (Variation ID: 2464019). This variant has not been reported in the literature in individuals affected with PACS2-related conditions. This variant is present in population databases (rs782491490, gnomAD 0.0009%). This sequence change replaces serine, which is neutral and polar, with glycine, which is neutral and non-polar, at codon 340 of the PACS2 protein (p.Ser340Gly).

Ambry Genetics
Classification: Uncertain significance for Inborn genetic diseases. Last evaluated: 2023-02-22. Review status: criteria provided, single submitter. Criteria: Ambry Variant Classification Scheme 2023. Collection method: clinical testing. Allele origin: germline.